The following is an entry in ClinVar:

NM_001394998.1(TANC2):c.3052-2244T>G

Genes: TANC2 (tetratricopeptide repeat, ankyrin repeat and coiled-coil containing 2; plus strand), LOC105371856 (uncharacterized LOC105371856; minus strand). Cytogenetic location: 17q23.3.
Variant type: single nucleotide variant.
Coding change: c.3052-2244T>G on transcript NM_001394998.1 (MANE Select); 2244 bases into the intron before coding-DNA position 3052, T replaced by G.
Molecular consequence: intron variant.
Genome position (GRCh38, 1-based): chr17:63,393,499, T>G. VCF-style: chr17-63393499-T-G. GRCh37 (hg19) VCF-style: chr17-61470860-T-G.
Other names: c.2830-2244T>G (NM_001411076.1, NM_025185.4).
Identifiers: ClinVar variation 2498720 (VCV002498720.28), dbSNP rs569769030, ClinGen allele CA292892052.

ClinVar aggregate classification (germline): Likely benign (1 of 4 stars; one submission).

Allele frequency attached by ClinVar (database versions not stated): 1000 Genomes Project 0.00020; 1000 Genomes Project 30x 0.00031; gnomAD 0.00096; TOPMed 0.00114.

Submission:

CeGaT Center for Human Genetics Tuebingen
Classification: Likely benign. Last evaluated: 2023-01-01. Review status: criteria provided, single submitter. Criteria: CeGaT Center For Human Genetics Tuebingen Variant Classification Criteria Version 2. Collection method: clinical testing. Allele origin: germline. Affected: yes. Observed: 4 variant alleles.
Comment: TANC2: BS1